The following is an entry in ClinVar:

NM_001042750.2(STAG2):c.1821+7T>C

Gene: STAG2 (STAG2 cohesin complex component; plus strand). Cytogenetic location: Xq25.
Variant type: single nucleotide variant.
Coding change: c.1821+7T>C on transcript NM_001042750.2 (MANE Select); 7 bases into the intron after coding-DNA position 1821, T replaced by C.
Molecular consequence: intron variant.
Genome position (GRCh38, 1-based): chrX:124,063,212, T>C. VCF-style: chrX-124063212-T-C. GRCh37 (hg19) VCF-style: chrX-123197062-T-C.
Other names: c.1821+7T>C (NM_001042749.2, NM_001375366.1, NM_001375373.1 and 13 more transcripts).
Identifiers: ClinVar variation 1690882 (VCV001690882.7), dbSNP rs768977301, ClinGen allele CA10508882.

ClinVar aggregate classification (germline): Benign/Likely benign. Review status: criteria provided, multiple submitters, no conflicts (2 of 4 stars). 2 submissions from 2 submitters: Benign (1); Likely benign (1). Last evaluated 2024-12-07.

Allele frequency attached by ClinVar (database versions not stated): gnomAD exomes 0.00002 and 0.00006; TOPMed 0.00002; gnomAD 0.00006; ExAC 0.00007.
gnomAD v4.1: 25 of 1,143,331 alleles (0.0022%); highest among the groups gnomAD compares: Middle Eastern, 0.032%; no homozygotes.

Submissions (2):

Labcorp Genetics (formerly Invitae), Labcorp
Classification: Benign. Last evaluated: 2024-12-07. Review status: criteria provided, single submitter. Criteria: Invitae Variant Classification Sherloc (09022015). Collection method: clinical testing. Allele origin: germline.

Laboratorio de Genetica e Diagnostico Molecular, Hospital Israelita Albert Einstein
Classification: Likely benign. Last evaluated: 2020-06-02. Review status: criteria provided, single submitter. Criteria: ACMG Guidelines, 2015. Collection method: clinical testing. Allele origin: germline. Affected: yes.
Comment: ACMG classification criteria: BS2, BP4